The following is an entry in ClinVar:

ClinVar aggregate classification (germline): Uncertain significance (1 of 4 stars; one submission).

Conditions:
Rubinstein-Taybi syndrome (RSTS). Identifiers: Orphanet 783, MedGen C0035934, MONDO:0019188.

Submission:

Labcorp Genetics (formerly Invitae), Labcorp
Classification: Uncertain significance for Rubinstein-Taybi syndrome. Last evaluated: 2022-10-21. Review status: criteria provided, single submitter. Criteria: Invitae Variant Classification Sherloc (09022015). Collection method: clinical testing. Allele origin: germline.
Comment: This variant is not present in population databases (gnomAD no frequency). In summary, the available evidence is currently insufficient to determine the role of this variant in disease. Therefore, it has been classified as a Variant of Uncertain Significance. Variants that disrupt the consensus splice site are a relatively common cause of aberrant splicing (PMID: 17576681, 9536098). Algorithms developed to predict the effect of sequence changes on RNA splicing suggest that this variant is not likely to affect RNA splicing. This variant has not been reported in the literature in individuals affected with CREBBP-related conditions. This sequence change affects codon 647 of the CREBBP mRNA. It is a 'silent' change, meaning that it does not change the encoded amino acid sequence of the CREBBP protein. This variant also falls at the last nucleotide of exon 9, which is part of the consensus splice site for this exon.

Literature cited by the submitters: PubMed 17576681; PubMed 9536098.

NM_004380.3(CREBBP):c.1941G>A (p.Arg647=)

Gene: CREBBP (CREB binding lysine acetyltransferase; minus strand). Cytogenetic location: 16p13.3.
Variant type: single nucleotide variant.
Coding change: c.1941G>A on transcript NM_004380.3 (MANE Select); coding-DNA position 1941, G replaced by A.
Protein change: p.Arg647=; no amino-acid change (arginine 647 retained).
Molecular consequence: synonymous variant.
Genome position (GRCh38, 1-based): chr16:3,778,700, C>T on the plus strand (G>A on the coding strand, the complement: CREBBP is on the minus strand). VCF-style: chr16-3778700-C-T. GRCh37 (hg19) VCF-style: chr16-3828701-C-T.
Other names: c.1827G>A, p.Arg609= (NM_001079846.1).
Identifiers: ClinVar variation 2003979 (VCV002003979.4), dbSNP rs2141236885, ClinGen allele CA493276347.